The following is an entry in ClinVar:

ClinVar aggregate classification (germline): Benign/Likely benign. Review status: criteria provided, multiple submitters, no conflicts (2 of 4 stars). 6 submissions from 6 submitters: Benign (3); Likely benign (2). 1 of the submissions does not count toward it. Last evaluated 2026-01-27.

Conditions:
NAF1-related disorder. Also called: NAF1-related condition.

Allele frequency attached by ClinVar (database versions not stated): gnomAD exomes 0.00149; ExAC 0.00206; ESP Exome Variant Server 0.00345; gnomAD 0.00485 and 0.00518; TOPMed 0.00593; 1000 Genomes Project 0.00619; 1000 Genomes Project 30x 0.00703.
gnomAD v4.1: 2,096 of 1,604,702 alleles (0.13%); highest among the groups gnomAD compares: African/African-American, 1.6%; 8 homozygotes.

Submissions (6):

Labcorp Genetics (formerly Invitae), Labcorp
Classification: Benign. Last evaluated: 2026-01-27. Review status: criteria provided, single submitter. Criteria: Invitae Variant Classification Sherloc (09022015). Collection method: clinical testing. Allele origin: germline.

Blueprint Genetics
Classification: Likely benign. Last evaluated: 2024-11-19. Review status: criteria provided, single submitter. Criteria: ACMG Guidelines, 2015. Collection method: clinical testing. Allele origin: germline.

Mayo Clinic Laboratories, Mayo Clinic
Classification: Benign. Last evaluated: 2023-06-13. Review status: criteria provided, single submitter. Criteria: ACMG Guidelines, 2015. Collection method: clinical testing. Allele origin: germline. Observed: 3 variant alleles.
Comment: BS1, BS2, BP4

Genetic Services Laboratory, University of Chicago
Classification: Benign. Last evaluated: 2019-03-27. Review status: criteria provided, single submitter. Criteria: ACMG Guidelines, 2015. Collection method: clinical testing. Allele origin: germline. Affected: no.

Breakthrough Genomics
Classification: Likely benign. Review status: criteria provided, single submitter. Criteria: ACMG Guidelines, 2015. Collection method: not provided. Allele origin: germline. Inheritance: Unknown mechanism. Affected: yes.

PreventionGenetics, part of Exact Sciences
Classification: Benign for NAF1-related condition. Last evaluated: 2019-05-29. Review status: no assertion criteria provided. Collection method: clinical testing. Allele origin: germline. Not counted in ClinVar's aggregate classification.
Comment: This variant is classified as benign based on ACMG/AMP sequence variant interpretation guidelines (Richards et al. 2015 PMID: 25741868, with internal and published modifications).

NM_138386.3(NAF1):c.266C>T (p.Ser89Leu)

Gene: NAF1 (nuclear assembly factor 1 ribonucleoprotein; minus strand). Cytogenetic location: 4q32.2.
Variant type: single nucleotide variant.
Coding change: c.266C>T on transcript NM_138386.3 (MANE Select); coding-DNA position 266, C replaced by T.
Protein change: p.Ser89Leu; replaces serine 89 with leucine.
Molecular consequence: missense variant.
Genome position (GRCh38, 1-based): chr4:163,166,462, G>A on the plus strand (C>T on the coding strand, the complement: NAF1 is on the minus strand). VCF-style: chr4-163166462-G-A. GRCh37 (hg19) VCF-style: chr4-164087614-G-A.
Other names: p.Ser89Leu; c.266C>T, p.Ser89Leu (NM_001128931.2); short protein forms S89L.
Identifiers: ClinVar variation 1336010 (VCV001336010.13), dbSNP rs35063973, ClinGen allele CA3126437.